The following is an entry in ClinVar:

ClinVar aggregate classification (germline): Conflicting classifications of pathogenicity. Review status: criteria provided, conflicting classifications (1 of 4 stars). 2 submissions from 2 submitters: Uncertain significance (1); Benign (1). Last evaluated 2026-01-11.

Allele frequency attached by ClinVar (database versions not stated): gnomAD exomes 0.00004; gnomAD 0.00007; TOPMed 0.00007; ExAC 0.00008; ESP Exome Variant Server 0.00008.
gnomAD v4.1: 70 of 1,584,084 alleles (0.0044%); highest among the groups gnomAD compares: Admixed American, 0.034%; no homozygotes.

Submissions (2):

Labcorp Genetics (formerly Invitae), Labcorp
Classification: Benign. Last evaluated: 2026-01-11. Review status: criteria provided, single submitter. Criteria: Invitae Variant Classification Sherloc (09022015). Collection method: clinical testing. Allele origin: germline.

Centre of Medical Genetics, University Hospital Muenster
Classification: Uncertain significance. Last evaluated: 2023-01-17. Review status: criteria provided, single submitter. Criteria: ACMG Guidelines, 2015. Collection method: clinical testing. Allele origin: unknown. Affected: yes. Observed: 1 variant allele, 1 heterozygote.
Comment: ACMG categories: PM2

NM_001375524.1(TRRAP):c.4953+5C>T

Gene: TRRAP (transformation/transcription domain associated protein; plus strand). Cytogenetic location: 7q22.1.
Variant type: single nucleotide variant.
Coding change: c.4953+5C>T on transcript NM_001375524.1 (MANE Select); 5 bases into the intron after coding-DNA position 4953, C replaced by T.
Molecular consequence: intron variant.
Genome position (GRCh38, 1-based): chr7:98,949,586, C>T. VCF-style: chr7-98949586-C-T. GRCh37 (hg19) VCF-style: chr7-98547209-C-T.
Other names: c.4932+5C>T (NM_001244580.2); c.4878+5C>T (NM_003496.4).
Identifiers: ClinVar variation 2060946 (VCV002060946.6), dbSNP rs368789902, ClinGen allele CA4360425.